The following is an entry in ClinVar:

NM_018124.4(RFWD3):c.2017C>T (p.Arg673Ter)

Gene: RFWD3 (ring finger and WD repeat domain 3; minus strand). Cytogenetic location: 16q23.1.
Variant type: single nucleotide variant.
Coding change: c.2017C>T on transcript NM_018124.4 (MANE Select); coding-DNA position 2017, C replaced by T.
Protein change: p.Arg673Ter; replaces arginine 673 with a stop codon.
Molecular consequence: nonsense.
Genome position (GRCh38, 1-based): chr16:74,626,507, G>A on the plus strand (C>T on the coding strand, the complement: RFWD3 is on the minus strand). VCF-style: chr16-74626507-G-A. GRCh37 (hg19) VCF-style: chr16-74660405-G-A.
Other names: c.2017C>T, p.Arg673Ter (NM_001370534.1, NM_001370535.1); c.1840C>T, p.Arg614Ter (NM_001370536.1); c.1183C>T, p.Arg395Ter (NM_001370537.1, NM_001370539.1, NM_001370540.1 and 3 more transcripts); short protein forms R395*, R614*, R673*.
Identifiers: ClinVar variation 2782253 (VCV002782253.3), dbSNP rs1459142609, ClinGen allele CA396759506.

ClinVar aggregate classification (germline): Uncertain significance (1 of 4 stars; one submission).

Allele frequency attached by ClinVar (database versions not stated): gnomAD 0.00001.
gnomAD v4.1: 9 of 1,613,916 alleles (0.00056%); highest among the groups gnomAD compares: South Asian, 0.0022%; no homozygotes.

Submission:

Labcorp Genetics (formerly Invitae), Labcorp
Classification: Uncertain significance. Last evaluated: 2023-11-06. Review status: criteria provided, single submitter. Criteria: Invitae Variant Classification Sherloc (09022015). Collection method: clinical testing. Allele origin: germline.
Comment: This sequence change creates a premature translational stop signal (p.Arg673*) in the RFWD3 gene. It is expected to result in an absent or disrupted protein product. However, the current clinical and genetic evidence is not sufficient to establish whether loss-of-function variants in RFWD3 cause disease. The frequency data for this variant in the population databases is considered unreliable, as metrics indicate poor data quality at this position in the gnomAD database. This variant has not been reported in the literature in individuals affected with RFWD3-related conditions. In summary, the available evidence is currently insufficient to determine the role of this variant in disease. Therefore, it has been classified as a Variant of Uncertain Significance.